The following is an entry in ClinVar:

NM_017654.4(SAMD9):c.156A>G (p.Glu52=)

Gene: SAMD9 (sterile alpha motif domain containing 9; minus strand). Cytogenetic location: 7q21.2.
Variant type: single nucleotide variant.
Coding change: c.156A>G on transcript NM_017654.4 (MANE Select); coding-DNA position 156, A replaced by G.
Protein change: p.Glu52=; no amino-acid change (glutamic acid 52 retained).
Molecular consequence: synonymous variant.
Genome position (GRCh38, 1-based): chr7:93,105,942, T>C on the plus strand (A>G on the coding strand, the complement: SAMD9 is on the minus strand). VCF-style: chr7-93105942-T-C. GRCh37 (hg19) VCF-style: chr7-92735255-T-C.
Other names: c.156A>G (NM_017654.3); c.156A>G, p.Glu52= (NM_001193307.2).
Identifiers: ClinVar variation 2781716 (VCV002781716.6), dbSNP rs767794991, ClinGen allele CA4343206.

ClinVar aggregate classification (germline): Likely benign. Review status: criteria provided, multiple submitters, no conflicts (2 of 4 stars). 3 submissions from 3 submitters: Likely benign (2). 1 of the submissions does not count toward it. Last evaluated 2025-02-10.

Conditions:
SAMD9-related disorder. Also called: SAMD9-related condition.
Inborn genetic diseases. Identifiers: MedGen C0950123, MeSH D030342.

Allele frequency attached by ClinVar (database versions not stated): gnomAD exomes below 0.00001; ExAC 0.00001; gnomAD 0.00001; TOPMed 0.00002.
gnomAD v4.1: 6 of 1,611,968 alleles (0.00037%); highest among the groups gnomAD compares: Non-Finnish European, 0.00034%; no homozygotes.

Submissions (3):

Ambry Genetics
Classification: Likely benign for Inborn genetic diseases. Last evaluated: 2025-02-10. Review status: criteria provided, single submitter. Criteria: Ambry Variant Classification Scheme 2023. Collection method: clinical testing. Allele origin: germline.

Labcorp Genetics (formerly Invitae), Labcorp
Classification: Likely benign. Last evaluated: 2024-02-03. Review status: criteria provided, single submitter. Criteria: Invitae Variant Classification Sherloc (09022015). Collection method: clinical testing. Allele origin: germline.

PreventionGenetics, part of Exact Sciences
Classification: Likely benign for SAMD9-related condition. Last evaluated: 2021-08-18. Review status: no assertion criteria provided. Collection method: clinical testing. Allele origin: germline. Not counted in ClinVar's aggregate classification.
Comment: This variant is classified as likely benign based on ACMG/AMP sequence variant interpretation guidelines (Richards et al. 2015 PMID: 25741868, with internal and published modifications).